The following is an entry in ClinVar:

NM_002528.7(NTHL1):c.643C>T (p.His215Tyr)

Gene: NTHL1 (nth like DNA glycosylase 1; minus strand). Cytogenetic location: 16p13.3.
Variant type: single nucleotide variant.
Coding change: c.643C>T on transcript NM_002528.7 (MANE Select); coding-DNA position 643, C replaced by T.
Protein change: p.His215Tyr; replaces histidine 215 with tyrosine.
Molecular consequence: missense variant.
Genome position (GRCh38, 1-based): chr16:2,043,609, G>A on the plus strand (C>T on the coding strand, the complement: NTHL1 is on the minus strand). VCF-style: chr16-2043609-G-A. GRCh37 (hg19) VCF-style: chr16-2093610-G-A.
Other names: c.472C>T, p.His158Tyr (NM_001318193.2); c.313C>T, p.His105Tyr (NM_001318194.2); short protein forms H105Y, H158Y, H215Y.
Identifiers: ClinVar variation 1754843 (VCV001754843.2), dbSNP rs2150941223, ClinGen allele CA394291187.

ClinVar aggregate classification (germline): Uncertain significance (1 of 4 stars; one submission).

Conditions:
Hereditary cancer-predisposing syndrome. Also called: Neoplastic Syndromes, Hereditary; Tumor predisposition; Hereditary Cancer Syndrome; Hereditary neoplastic syndrome. Identifiers: Orphanet 140162, MedGen C0027672, MeSH D009386, MONDO:0015356.

Submission:

Ambry Genetics
Classification: Uncertain significance for Hereditary cancer-predisposing syndrome. Last evaluated: 2022-05-19. Review status: criteria provided, single submitter. Criteria: Ambry Variant Classification Scheme 2023. Collection method: clinical testing. Allele origin: germline.
Comment: The p.H223Y variant (also known as c.667C>T), located in coding exon 4 of the NTHL1 gene, results from a C to T substitution at nucleotide position 667. The histidine at codon 223 is replaced by tyrosine, an amino acid with similar properties. This amino acid position is conserved. In addition, the in silico prediction for this alteration is inconclusive. Since supporting evidence is limited at this time, the clinical significance of this alteration remains unclear.